The following is an entry in ClinVar:

ClinVar aggregate classification (germline): Likely pathogenic (1 of 4 stars; one submission).

gnomAD v4.1: 1 of 1,612,708 alleles (0.000062%); highest among the groups gnomAD compares: African/African-American, 0.0013%; no homozygotes.

Submission:

Labcorp Genetics (formerly Invitae), Labcorp
Classification: Likely pathogenic. Last evaluated: 2019-03-26. Review status: criteria provided, single submitter. Criteria: Invitae Variant Classification Sherloc (09022015). Collection method: clinical testing. Allele origin: germline.
Comment: A different variant (c.5167G>C) giving rise to the same protein effect observed here (p.Gly1723Arg) has been determined to be pathogenic (PMID: 24944099, 25404053, 26667666). This suggests that this variant is also likely to be causative of disease. Nucleotide substitutions within the consensus splice site are a relatively common cause of aberrant splicing (PMID: 17576681, 9536098). Algorithms developed to predict the effect of sequence changes on RNA splicing suggest that this variant may disrupt the consensus splice site, but this prediction has not been confirmed by published transcriptional studies. Algorithms developed to predict the effect of missense changes on protein structure and function (SIFT, PolyPhen-2, Align-GVGD) all suggest that this variant is likely to be disruptive, but these predictions have not been confirmed by published functional studies and their clinical significance is uncertain. This variant has not been reported in the literature in individuals with USH2A-related conditions. This variant is not present in population databases (ExAC no frequency). This sequence change replaces glycine with arginine at codon 1723 of the USH2A protein (p.Gly1723Arg). The glycine residue is highly conserved and there is a moderate physicochemical difference between glycine and arginine. This variant also falls at the last nucleotide of exon 25 of the USH2A coding sequence, which is part of the consensus splice site for this exon. In summary, the currently available evidence indicates that the variant is pathogenic, but additional data are needed to prove that conclusively. Therefore, this variant has been classified as Likely Pathogenic.

Literature cited by the submitters: PubMed 24944099; PubMed 25404053; PubMed 26667666; PubMed 17576681; PubMed 9536098.

NM_206933.4(USH2A):c.5167G>A (p.Gly1723Arg)

Genes: USH2A (usherin; minus strand), USH2A-AS2 (USH2A antisense RNA 2; plus strand). Cytogenetic location: 1q41.
Variant type: single nucleotide variant.
Coding change: c.5167G>A on transcript NM_206933.4 (MANE Select); coding-DNA position 5167, G replaced by A.
Protein change: p.Gly1723Arg; replaces glycine 1723 with arginine.
Molecular consequence: missense variant.
Genome position (GRCh38, 1-based): chr1:216,084,698, C>T on the plus strand (G>A on the coding strand, the complement: USH2A is on the minus strand). VCF-style: chr1-216084698-C-T. GRCh37 (hg19) VCF-style: chr1-216258040-C-T.
Other names: short protein forms G1723R.
Identifiers: ClinVar variation 864410 (VCV000864410.9), dbSNP rs1342455785, ClinGen allele CA344858670.